The following is an entry in ClinVar:

NM_002437.5(MPV17):c.1A>G (p.Met1Val)

Genes: MPV17 (mitochondrial inner membrane protein MPV17; minus strand), LOC129933372 (ATAC-STARR-seq lymphoblastoid active region 15495; plus strand). Cytogenetic location: 2p23.3.
Variant type: single nucleotide variant.
Coding change: c.1A>G on transcript NM_002437.5 (MANE Select); coding-DNA position 1, A replaced by G.
Protein change: p.Met1Val; changes the start codon (methionine 1).
Molecular consequence: missense variant, initiator codon variant.
Genome position (GRCh38, 1-based): chr2:27,322,517, T>C on the plus strand (A>G on the coding strand, the complement: MPV17 is on the minus strand). VCF-style: chr2-27322517-T-C. GRCh37 (hg19) VCF-style: chr2-27545384-T-C.
Other names: c.1A>G (NM_002437.4); short protein forms M1V.
Identifiers: ClinVar variation 2433791 (VCV002433791.6), dbSNP rs553716559, ClinGen allele CA44472983.

ClinVar aggregate classification (germline): Conflicting classifications of pathogenicity. Review status: criteria provided, conflicting classifications (1 of 4 stars). 3 submissions from 3 submitters: Likely pathogenic (2); Uncertain significance (1). Last evaluated 2024-06-23.

Conditions:
Mitochondrial DNA depletion syndrome 6 (hepatocerebral type). Also called: Mitochondrial DNA depletion syndrome type 6; NAVAJO NEUROPATHY; Navajo neurohepatopathy. Identifiers: Orphanet 255229, MedGen C1850406, MONDO:0009747, OMIM 256810.
Charcot-Marie-Tooth disease, axonal, type 2EE. Also called: CHARCOT-MARIE-TOOTH NEUROPATHY, TYPE 2EE. Identifiers: MedGen C5193076, MONDO:0032728, OMIM 618400.
Mitochondrial DNA depletion syndrome, hepatocerebral form. Identifiers: Orphanet 254871, MedGen C3711385, MONDO:0100512.

Submissions (3):

Fulgent Genetics
Classification: Likely pathogenic for Mitochondrial DNA depletion syndrome 6 (hepatocerebral type); Charcot-Marie-Tooth disease, axonal, type 2EE. Last evaluated: 2024-06-23. Review status: criteria provided, single submitter. Criteria: ACMG Guidelines, 2015. Collection method: clinical testing. Allele origin: germline.

Natera, Inc.
Classification: Likely pathogenic for Mitochondrial DNA depletion syndrome, hepatocerebral form. Last evaluated: 2024-05-25. Review status: criteria provided, single submitter. Criteria: Natera Variant Classification Schema (03/2026). Collection method: clinical testing. Allele origin: germline.
Comment: The c.1A>G variant in MPV17 is predicted to result in start loss due to disruption of the initiator methionine. This variant is expected to result in nonsense mediated decay, truncation, or a dysfunctional protein product. This variant is rare in the general population with a frequency below the threshold expected for the associated phenotype(s). Given the available evidence, this variant is classified as Likely Pathogenic.

Revvity Omics, Revvity
Classification: Uncertain significance. Last evaluated: 2022-06-23. Review status: criteria provided, single submitter. Criteria: ACMG Guidelines, 2015. Collection method: clinical testing. Allele origin: germline.